The following is an entry in ClinVar:

ClinVar aggregate classification (germline): Uncertain significance. Review status: criteria provided, multiple submitters, no conflicts (2 of 4 stars). 2 submissions from 2 submitters: Uncertain significance (2). Last evaluated 2025-12-17.

Conditions:
Inborn genetic diseases. Identifiers: MedGen C0950123, MeSH D030342.

Allele frequency attached by ClinVar (database versions not stated): gnomAD exomes 0.00001 and 0.00003; ExAC 0.00005; ESP Exome Variant Server 0.00008; gnomAD 0.00009 and 0.00010; 1000 Genomes Project 0.00020; 1000 Genomes Project 30x 0.00031.
gnomAD v4.1: 27 of 1,602,164 alleles (0.0017%); highest among the groups gnomAD compares: African/African-American, 0.024%; no homozygotes.

Submissions (2):

Labcorp Genetics (formerly Invitae), Labcorp
Classification: Uncertain significance. Last evaluated: 2025-12-17. Review status: criteria provided, single submitter. Criteria: Invitae Variant Classification Sherloc (09022015). Collection method: clinical testing. Allele origin: germline.
Comment: This sequence change replaces leucine, which is neutral and non-polar, with valine, which is neutral and non-polar, at codon 1180 of the DCHS1 protein (p.Leu1180Val). This variant is present in population databases (rs200372389, gnomAD 0.04%). This variant has not been reported in the literature in individuals affected with DCHS1-related conditions. ClinVar contains an entry for this variant (Variation ID: 1517933). Invitae Evidence Modeling of protein sequence and biophysical properties (such as structural, functional, and spatial information, amino acid conservation, physicochemical variation, residue mobility, and thermodynamic stability) indicates that this missense variant is not expected to disrupt DCHS1 protein function with a negative predictive value of 80%. In summary, the available evidence is currently insufficient to determine the role of this variant in disease. Therefore, it has been classified as a Variant of Uncertain Significance.

Ambry Genetics
Classification: Uncertain significance for Inborn genetic diseases. Last evaluated: 2024-11-07. Review status: criteria provided, single submitter. Criteria: Ambry Variant Classification Scheme 2023. Collection method: clinical testing. Allele origin: germline.

NM_003737.4(DCHS1):c.3538C>G (p.Leu1180Val)

Gene: DCHS1 (dachsous cadherin-related 1; minus strand). Cytogenetic location: 11p15.4.
Variant type: single nucleotide variant.
Coding change: c.3538C>G on transcript NM_003737.4 (MANE Select); coding-DNA position 3538, C replaced by G.
Protein change: p.Leu1180Val; replaces leucine 1180 with valine.
Molecular consequence: missense variant.
Genome position (GRCh38, 1-based): chr11:6,631,753, G>C on the plus strand (C>G on the coding strand, the complement: DCHS1 is on the minus strand). VCF-style: chr11-6631753-G-C. GRCh37 (hg19) VCF-style: chr11-6652984-G-C.
Other names: c.3538C>G (NM_003737.2); short protein forms L1180V.
Identifiers: ClinVar variation 1517933 (VCV001517933.8), dbSNP rs200372389, ClinGen allele CA5860502.
Genomic context (GRCh38, chr11:6,631,753, plus strand): 5'-CAACATGCACAGTGCCTGTGGTGCTGCGGGGTGGGCTCCCTCCATCCTGCACCTGCACCA[G>C]GAGCTGATAGCTGCTCTGCTGCTCACGGTCCAGGGTTTGGAGTGTGGTCACTTCTCCTGG-3'
Protein context (NP_003728.1, residues 1170-1190): DREQQSSYQL[Leu1180Val]VQVQDGGSPP